The following is an entry in ClinVar:

NM_000277.3(PAH):c.545A>G (p.Glu182Gly)

Gene: PAH (phenylalanine hydroxylase; minus strand). Cytogenetic location: 12q23.2.
Variant type: single nucleotide variant.
Coding change: c.545A>G on transcript NM_000277.3 (MANE Select); coding-DNA position 545, A replaced by G.
Protein change: p.Glu182Gly; replaces glutamic acid 182 with glycine.
Molecular consequence: missense variant.
Genome position (GRCh38, 1-based): chr12:102,855,297, T>C on the plus strand (A>G on the coding strand, the complement: PAH is on the minus strand). VCF-style: chr12-102855297-T-C. GRCh37 (hg19) VCF-style: chr12-103249075-T-C.
Other names: c.545A>G, p.Glu182Gly (NM_001354304.2); short protein forms E182G.
Identifiers: ClinVar variation 102731 (VCV000102731.16), dbSNP rs199475617, ClinGen allele CA229617.

ClinVar aggregate classification (germline): Likely pathogenic. Review status: reviewed by expert panel (3 of 4 stars). 6 submissions from 6 submitters: Likely pathogenic (1). 5 of the submissions do not count toward it. Last evaluated 2020-07-25.

Conditions:
Phenylketonuria (PKU). Also called: Phenylketonuria (PKU); FOLLING DISEASE; OLIGOPHRENIA PHENYLPYRUVICA; Phenylketonurias. Identifiers: Orphanet 716, MedGen C0031485, MONDO:0009861, OMIM 261600. Disease mechanism: loss of function.

Allele frequency attached by ClinVar (database versions not stated): gnomAD exomes 0.00001; ExAC 0.00001.
gnomAD v4.1: 9 of 1,614,156 alleles (0.00056%); highest among the groups gnomAD compares: Middle Eastern, 0.017%; no homozygotes.

Submissions (6):

ClinGen PAH Variant Curation Expert Panel
Classification: Likely pathogenic for Phenylketonuria. Last evaluated: 2020-07-25. Review status: reviewed by expert panel. Criteria: ClinGen PAH ACMG Specifications v1. Collection method: curation. Allele origin: germline. Inheritance: Autosomal recessive inheritance.
Comment: The NM_000277.3:c.545A>G (p.Glu182Gly) variant is a missense variant in exon 6/13 of PAH. The variant was reported in confirmed trans with the p.R261Q allele (Pathogenic per ClinGen PAH VCEP) among two siblings with mild hyperphenylalanemia; BH4 deficiency was not noted to have been formally excluded (PMID: 26542770) (PP1; PM3). The variant has also been previously reported among â€œtwo allelesâ€ in a cohort of Armenian PKU patients among whom BH4 deficiency was excluded; no further detail appears to be given (PMID: 10541324) (PP4_Moderate). It has also been noted in ClinVar (ID 102731), without a classification. Three heterozygotes and zero homozygotes for the variant are present in gnomAD, corresponding to a global AF of 0.0000119 and maximum population frequency of 0.0000264 (non-Finnish European population), under the frequency cutoff of 0.0002 for use of PM2 (PM2). The variant is predicted damaging by multiple in-silico missense predictors, including REVEL (REVEL score 0.929) (PP3). Classification: Likely Pathogenic Supporting Criteria: PM2; PM3; PP1; PP4_Moderate; PP3

Myriad Genetics, Inc.
Classification: Uncertain significance for Phenylketonuria. Last evaluated: 2025-10-31. Review status: criteria provided, single submitter. Criteria: Myriad Autosomal Dominant, Autosomal Recessive and X-Linked Classification Criteria (2023). Collection method: clinical testing. Allele origin: unknown. Not counted in ClinVar's aggregate classification.
Comment: NM_000277.1(PAH):c.545A>G(E182G) is a missense variant classified as a variant of uncertain significance in the context of phenylalanine hydroxylase deficiency. E182G has been observed in cases with relevant disease (PMID: 26542770, 35405047, 10541324, Trunzo_2016_(Thesis)). Relevant functional assessments of this variant are not available in the literature. E182G has been observed in referenced population frequency databases. In summary, there is insufficient evidence to classify NM_000277.1(PAH):c.545A>G(E182G) as pathogenic or benign. Please note: this variant was assessed in the context of healthy population screening.

Labcorp Genetics (formerly Invitae), Labcorp
Classification: Pathogenic for Phenylketonuria. Last evaluated: 2025-03-03. Review status: criteria provided, single submitter. Criteria: Invitae Variant Classification Sherloc (09022015). Collection method: clinical testing. Allele origin: germline. Not counted in ClinVar's aggregate classification.
Comment: This sequence change replaces glutamic acid, which is acidic and polar, with glycine, which is neutral and non-polar, at codon 182 of the PAH protein (p.Glu182Gly). This variant is present in population databases (rs199475617, gnomAD 0.0009%). This missense change has been observed in individual(s) with phenylketonuria (PMID: 26542770). In at least one individual the data is consistent with being in trans (on the opposite chromosome) from a pathogenic variant. It has also been observed to segregate with disease in related individuals. ClinVar contains an entry for this variant (Variation ID: 102731). Invitae Evidence Modeling of protein sequence and biophysical properties (such as structural, functional, and spatial information, amino acid conservation, physicochemical variation, residue mobility, and thermodynamic stability) indicates that this missense variant is not expected to disrupt PAH protein function with a negative predictive value of 80%. This variant disrupts the p.Glu182 amino acid residue in PAH. Other variant(s) that disrupt this residue have been determined to be pathogenic (PMID: 31355225). This suggests that this residue is clinically significant, and that variants that disrupt this residue are likely to be disease-causing. For these reasons, this variant has been classified as Pathogenic.

Revvity Omics, Revvity
Classification: Likely pathogenic for Phenylketonuria. Last evaluated: 2024-11-15. Review status: criteria provided, single submitter. Criteria: ACMG Guidelines, 2015. Collection method: clinical testing. Allele origin: germline. Not counted in ClinVar's aggregate classification.

Laboratory for Molecular Medicine, Mass General Brigham Personalized Medicine
Classification: Likely pathogenic for Phenylketonuria. Last evaluated: 2022-11-03. Review status: criteria provided, single submitter. Criteria: ACMG Guidelines, 2015. Collection method: clinical testing. Allele origin: germline. Not counted in ClinVar's aggregate classification.
Comment: The p.Glu182Gly variant in PAH has been reported in at least 2 siblings with mild Hyperphenylalaninemia in the compound heterozygous state (Bayat 2016 PMID: 26542770). This variant was classified as Likely Pathogenic on July 25, 2020 by the ClinGen-approved ClinGen PAH Variant Curation Expert Panel (Variation ID 102731) and was absent from large population studies. Computational prediction tools and conservation analyses suggest that this variant may impact the protein, though this information is not predictive enough to determine pathogenicity. Another variant involving this codon (p.Glu182Lys) has been identified in individuals with Phenylketonuria and is classified as pathogenic by a clinical laboratory in ClinVar. In summary, although additional studies are required to fully establish its clinical significance, this variant meets criteria to be classified as likely pathogenic for autosomal recessive hyperphenylalanemia/phenylkenonuria. ACMG/AMP Criteria applied: PM2_Supporting, PP3, PM3, PM5.

DeBelle Laboratory for Biochemical Genetics, MUHC/MCH RESEARCH INSTITUTE
No classification provided. Review status: no classification provided. Collection method: not provided. Allele origin: not provided. Not counted in ClinVar's aggregate classification.

Literature cited by the submitters: PubMed 26542770 (cited by ClinGen PAH Variant Curation Expert Panel and Labcorp Genetics (formerly Invitae), Labcorp); PubMed 10541324 (cited by ClinGen PAH Variant Curation Expert Panel); PubMed 31355225 (cited by Labcorp Genetics (formerly Invitae), Labcorp).